The following is an entry in ClinVar:

NM_001242896.3(DEPDC5):c.1316G>A (p.Arg439His)

Gene: DEPDC5 (DEP domain containing 5, GATOR1 subcomplex subunit; plus strand). Cytogenetic location: 22q12.3.
Variant type: single nucleotide variant.
Coding change: c.1316G>A on transcript NM_001242896.3 (MANE Select); coding-DNA position 1316, G replaced by A.
Protein change: p.Arg439His; replaces arginine 439 with histidine.
Molecular consequence: missense variant. On other transcripts: non-coding transcript variant (5).
Genome position (GRCh38, 1-based): chr22:31,809,639, G>A. VCF-style: chr22-31809639-G-A. GRCh37 (hg19) VCF-style: chr22-32205625-G-A.
Other names: c.1316G>A, p.Arg439His (NM_001007188.4, NM_001136029.4, NM_001242897.2 and 7 more transcripts); c.1232G>A, p.Arg411His (NM_001369901.1, NM_001369902.1); short protein forms R411H, R439H.
Identifiers: ClinVar variation 977883 (VCV000977883.10), dbSNP rs1267156657, ClinGen allele CA411276542.

ClinVar aggregate classification (germline): Uncertain significance. Review status: criteria provided, multiple submitters, no conflicts (2 of 4 stars). 4 submissions from 4 submitters: Uncertain significance (3). 1 of the submissions does not count toward it. Last evaluated 2025-01-08.

Conditions:
Familial focal epilepsy with variable foci (FPEVF). Identifiers: Orphanet 98820, MedGen C1858477, MONDO:0020310.
Inborn genetic diseases. Identifiers: MedGen C0950123, MeSH D030342.
Epilepsy, familial focal, with variable foci 1 (FFEVF1). Also called: DEPDC5-Related Epilepsy. Identifiers: MedGen C4551983, MONDO:0024556, OMIM 604364.

Allele frequency attached by ClinVar (database versions not stated): gnomAD exomes 0.00001; TOPMed 0.00001; gnomAD 0.00003.
gnomAD v4.1: 14 of 1,613,836 alleles (0.00087%); highest among the groups gnomAD compares: African/African-American, 0.0067%; no homozygotes.

Submissions (4):

Labcorp Genetics (formerly Invitae), Labcorp
Classification: Uncertain significance for Familial focal epilepsy with variable foci. Last evaluated: 2025-01-08. Review status: criteria provided, single submitter. Criteria: Invitae Variant Classification Sherloc (09022015). Collection method: clinical testing. Allele origin: germline.
Comment: This sequence change replaces arginine, which is basic and polar, with histidine, which is basic and polar, at codon 439 of the DEPDC5 protein (p.Arg439His). This variant is present in population databases (no rsID available, gnomAD 0.007%). This variant has not been reported in the literature in individuals affected with DEPDC5-related conditions. ClinVar contains an entry for this variant (Variation ID: 977883). Experimental studies and prediction algorithms are not available or were not evaluated, and the functional significance of this variant is currently unknown. In summary, the available evidence is currently insufficient to determine the role of this variant in disease. Therefore, it has been classified as a Variant of Uncertain Significance.

Ambry Genetics
Classification: Uncertain significance for Inborn genetic diseases. Last evaluated: 2023-06-21. Review status: criteria provided, single submitter. Criteria: Ambry Variant Classification Scheme 2023. Collection method: clinical testing. Allele origin: germline.

GeneDx
Classification: Uncertain significance. Last evaluated: 2022-02-10. Review status: criteria provided, single submitter. Criteria: GeneDx Variant Classification Process June 2021. Collection method: clinical testing. Allele origin: germline. Affected: yes.
Comment: Not observed at a significant frequency in large population cohorts (gnomAD); In silico analysis supports that this missense variant does not alter protein structure/function; Has not been previously published as pathogenic or benign to our knowledge

Service de Génétique Moléculaire, Hôpital Robert Debré
Classification: Likely benign for Epilepsy, familial focal, with variable foci 1. Review status: no assertion criteria provided. Collection method: clinical testing. Allele origin: unknown. Affected: yes. Not counted in ClinVar's aggregate classification.